The following is an entry in ClinVar:

NM_002633.3(PGM1):c.1600-523G>A

Gene: PGM1 (phosphoglucomutase 1; plus strand). Cytogenetic location: 1p31.3.
Variant type: single nucleotide variant.
Coding change: c.1600-523G>A on transcript NM_002633.3 (MANE Select); 523 bases into the intron before coding-DNA position 1600, G replaced by A.
Molecular consequence: intron variant.
Genome position (GRCh38, 1-based): chr1:63,659,063, G>A. VCF-style: chr1-63659063-G-A. GRCh37 (hg19) VCF-style: chr1-64124734-G-A.
Other names: c.1009-523G>A (NM_001172819.2); c.1654-523G>A (NM_001172818.1).
Identifiers: ClinVar variation 2431718 (VCV002431718.2), dbSNP rs948326478, ClinGen allele CA23842785.

ClinVar aggregate classification (germline): Conflicting classifications of pathogenicity. Review status: criteria provided, conflicting classifications (1 of 4 stars). 2 submissions from 2 submitters: Likely pathogenic (1); Uncertain significance (1). Last evaluated 2022-11-18.

Conditions:
PGM1-congenital disorder of glycosylation. Also called: GSD XIV; Congenital disorder of glycosylation type 1t; PHOSPHOGLUCOMUTASE 1 DEFICIENCY; PGM1 DEFICIENCY; GLYCOGEN STORAGE DISEASE XIV; CDG It. Identifiers: Orphanet 319646, MedGen C2752015, MONDO:0013968, OMIM 614921.
PGM1-related disorder. Also called: PGM1-related disorders; PGM1-related condition.

gnomAD v4.1: 5 of 152,078 alleles (0.0033%); highest among the groups gnomAD compares: Admixed American, 0.013%; no homozygotes.

Submissions (2):

Laboratorio de Genetica e Diagnostico Molecular, Hospital Israelita Albert Einstein
Classification: Uncertain significance for PGM1-congenital disorder of glycosylation. Last evaluated: 2022-11-18. Review status: criteria provided, single submitter. Criteria: ACMG Guidelines, 2015. Collection method: clinical testing. Allele origin: germline. Affected: yes. Observed: 1 variant allele.
Comment: ACMG classification criteria: PS3 supporting, PM2 supporting, PP3 supporting, PP4

Blueprint Genetics
Classification: Likely pathogenic for PGM1-related disorders. Last evaluated: 2019-10-30. Review status: criteria provided, single submitter. Criteria: ACMG Guidelines, 2015. Collection method: clinical testing. Allele origin: germline. Affected: yes. Observed: 1 variant allele.